The following is an entry in ClinVar:

ClinVar aggregate classification (germline): Uncertain significance. Review status: criteria provided, multiple submitters, no conflicts (2 of 4 stars). 4 submissions from 4 submitters: Uncertain significance (4). Last evaluated 2025-03-23.

Conditions:
Hereditary cancer-predisposing syndrome. Also called: Hereditary neoplastic syndrome; Tumor predisposition; Hereditary Cancer Syndrome; Neoplastic Syndromes, Hereditary. Identifiers: Orphanet 140162, MedGen C0027672, MeSH D009386, MONDO:0015356.
Hereditary breast ovarian cancer syndrome. Also called: Hereditary breast and/or ovarian cancer syndrome; BRCA1- and BRCA2-Associated Hereditary Breast and Ovarian Cancer; Breast and ovarian cancer; Hereditary breast and ovarian cancer; Hereditary breast and ovarian cancer syndrome; Hereditary breast and ovarian cancer syndrome (HBOC). Identifiers: Orphanet 145, MedGen C0677776, MeSH D061325, MONDO:0003582. Disease mechanism: loss of function.

gnomAD v4.1: 2 of 1,607,716 alleles (0.00012%); highest among the groups gnomAD compares: Non-Finnish European, 0.00017%; no homozygotes.

Submissions (4):

Labcorp Genetics (formerly Invitae), Labcorp
Classification: Uncertain significance for Hereditary breast ovarian cancer syndrome. Last evaluated: 2025-03-23. Review status: criteria provided, single submitter. Criteria: Invitae Variant Classification Sherloc (09022015). Collection method: clinical testing. Allele origin: germline.
Comment: This sequence change replaces arginine, which is basic and polar, with leucine, which is neutral and non-polar, at codon 118 of the BRCA2 protein (p.Arg118Leu). This variant is not present in population databases (gnomAD no frequency). This variant has not been reported in the literature in individuals affected with BRCA2-related conditions. ClinVar contains an entry for this variant (Variation ID: 491246). Invitae Evidence Modeling of protein sequence and biophysical properties (such as structural, functional, and spatial information, amino acid conservation, physicochemical variation, residue mobility, and thermodynamic stability) indicates that this missense variant is not expected to disrupt BRCA2 protein function with a negative predictive value of 95%. In summary, the available evidence is currently insufficient to determine the role of this variant in disease. Therefore, it has been classified as a Variant of Uncertain Significance.

Ambry Genetics
Classification: Uncertain significance for Hereditary cancer-predisposing syndrome. Last evaluated: 2024-09-01. Review status: criteria provided, single submitter. Criteria: Ambry Variant Classification Scheme 2023. Collection method: clinical testing. Allele origin: germline.
Comment: The p.R118L variant (also known as c.353G>T), located in coding exon 3 of the BRCA2 gene, results from a G to T substitution at nucleotide position 353. The arginine at codon 118 is replaced by leucine, an amino acid with dissimilar properties. This amino acid position is poorly conserved in available vertebrate species. In addition, this alteration is predicted to be tolerated by in silico analysis. Since supporting evidence is limited at this time, the clinical significance of this alteration remains unclear.

Revvity Omics, Revvity
Classification: Uncertain significance. Last evaluated: 2023-10-26. Review status: criteria provided, single submitter. Criteria: ACMG Guidelines, 2015. Collection method: clinical testing. Allele origin: germline.

Color Diagnostics, LLC DBA Color Health
Classification: Uncertain significance for Hereditary cancer-predisposing syndrome. Last evaluated: 2019-04-22. Review status: criteria provided, single submitter. Criteria: ACMG Guidelines, 2015. Collection method: clinical testing. Allele origin: germline.

NM_000059.4(BRCA2):c.353G>T (p.Arg118Leu)

Gene: BRCA2 (BRCA2 DNA repair associated; plus strand). Cytogenetic location: 13q13.1.
Variant type: single nucleotide variant.
Coding change: c.353G>T on transcript NM_000059.4 (MANE Select); coding-DNA position 353, G replaced by T.
Protein change: p.Arg118Leu; replaces arginine 118 with leucine.
Molecular consequence: missense variant.
Genome position (GRCh38, 1-based): chr13:32,325,112, G>T. VCF-style: chr13-32325112-G-T. GRCh37 (hg19) VCF-style: chr13-32899249-G-T.
Other names: short protein forms R118L.
Identifiers: ClinVar variation 491246 (VCV000491246.17), dbSNP rs80358603, ClinGen allele CA387756596.